The following is an entry in ClinVar:

NM_013451.4(MYOF):c.2783C>T (p.Thr928Met)

Gene: MYOF (myoferlin; minus strand). Cytogenetic location: 10q23.33.
Variant type: single nucleotide variant.
Coding change: c.2783C>T on transcript NM_013451.4 (MANE Select); coding-DNA position 2783, C replaced by T.
Protein change: p.Thr928Met; replaces threonine 928 with methionine.
Molecular consequence: missense variant.
Genome position (GRCh38, 1-based): chr10:93,364,046, G>A on the plus strand (C>T on the coding strand, the complement: MYOF is on the minus strand). VCF-style: chr10-93364046-G-A. GRCh37 (hg19) VCF-style: chr10-95123803-G-A.
Other names: c.2744C>T, p.Thr915Met (NM_133337.3); short protein forms T915M, T928M.
Identifiers: ClinVar variation 3034968 (VCV003034968.22), dbSNP rs142449029, ClinGen allele CA5607735.

ClinVar aggregate classification (germline): Benign. Review status: criteria provided, single submitter (1 of 4 stars). 2 submissions from 2 submitters: Benign (1). 1 of the submissions does not count toward it. Last evaluated 2025-06-01.

Conditions:
MYOF-related disorder. Also called: MYOF-related condition.

Allele frequency attached by ClinVar (database versions not stated): 1000 Genomes Project 0.00060; 1000 Genomes Project 30x 0.00078; TOPMed 0.00129; gnomAD 0.00136; ExAC 0.00147; ESP Exome Variant Server 0.00252.

Submissions (2):

CeGaT Center for Human Genetics Tuebingen
Classification: Benign. Last evaluated: 2025-06-01. Review status: criteria provided, single submitter. Criteria: CeGaT Center For Human Genetics Tuebingen Variant Classification Criteria Version 2. Collection method: clinical testing. Allele origin: germline. Affected: yes. Observed: 3 variant alleles.
Comment: MYOF: BS1, BS2

PreventionGenetics, part of Exact Sciences
Classification: Likely benign for MYOF-related condition. Last evaluated: 2022-02-01. Review status: no assertion criteria provided. Collection method: clinical testing. Allele origin: germline. Not counted in ClinVar's aggregate classification.
Comment: This variant is classified as likely benign based on ACMG/AMP sequence variant interpretation guidelines (Richards et al. 2015 PMID: 25741868, with internal and published modifications).